The following is an entry in ClinVar:

NM_006206.6(PDGFRA):c.629-4A>G

Gene: PDGFRA (platelet derived growth factor receptor alpha; plus strand). Cytogenetic location: 4q12.
Variant type: single nucleotide variant.
Coding change: c.629-4A>G on transcript NM_006206.6 (MANE Select); 4 bases into the intron before coding-DNA position 629, A replaced by G.
Molecular consequence: intron variant.
Genome position (GRCh38, 1-based): chr4:54,264,915, A>G. VCF-style: chr4-54264915-A-G. GRCh37 (hg19) VCF-style: chr4-55131082-A-G.
Other names: c.704-4A>G (NM_001347828.2); c.629-4A>G (NM_001347827.2, NM_001347829.2, NM_006206.4); c.668-4A>G (NM_001347830.2).
Identifiers: ClinVar variation 1110255 (VCV001110255.11), dbSNP rs774121060, ClinGen allele CA2922346.

ClinVar aggregate classification (germline): Benign/Likely benign. Review status: criteria provided, multiple submitters, no conflicts (2 of 4 stars). 3 submissions from 3 submitters: Benign (1); Likely benign (2). Last evaluated 2026-06-12.

Conditions:
Gastrointestinal stromal tumor. Also called: Gastrointestinal stroma tumor; Gastrointestinal stromal tumor, somatic. Identifiers: Orphanet 44890, MedGen C0238198, MeSH D046152, MONDO:0011719, OMIM 606764, HP:0100723.
Polyps, multiple and recurrent inflammatory fibroid, gastrointestinal. Identifiers: MedGen C5193005, MONDO:0008285, OMIM 175510.
Hereditary cancer-predisposing syndrome. Also called: Neoplastic Syndromes, Hereditary; Hereditary Cancer Syndrome; Hereditary neoplastic syndrome; Tumor predisposition. Identifiers: Orphanet 140162, MedGen C0027672, MeSH D009386, MONDO:0015356.

Allele frequency attached by ClinVar (database versions not stated): gnomAD exomes 0.00001; ExAC 0.00002.
gnomAD v4.1: 7 of 1,608,338 alleles (0.00044%); highest among the groups gnomAD compares: Admixed American, 0.0033%; no homozygotes.

Submissions (3):

Myriad Genetics, Inc.
Classification: Likely benign for Polyps, multiple and recurrent inflammatory fibroid, gastrointestinal. Last evaluated: 2026-06-12. Review status: criteria provided, single submitter. Criteria: Myriad Autosomal Dominant, Autosomal Recessive and X-Linked Classification Criteria (2023). Collection method: clinical testing. Allele origin: unknown.
Comment: This variant is considered likely benign. This variant is intronic and is not expected to impact mRNA splicing.

Labcorp Genetics (formerly Invitae), Labcorp
Classification: Likely benign for Gastrointestinal stromal tumor. Last evaluated: 2025-08-25. Review status: criteria provided, single submitter. Criteria: Invitae Variant Classification Sherloc (09022015). Collection method: clinical testing. Allele origin: germline.

Ambry Genetics
Classification: Benign for Hereditary cancer-predisposing syndrome. Last evaluated: 2024-10-28. Review status: criteria provided, single submitter. Criteria: Ambry Variant Classification Scheme 2023. Collection method: clinical testing. Allele origin: germline.